The following is an entry in ClinVar:

NM_000553.6(WRN):c.2390del (p.Gly797fs)

Gene: WRN (WRN RecQ like helicase; plus strand). Cytogenetic location: 8p12.
Variant type: Deletion.
Coding change: c.2390del on transcript NM_000553.6 (MANE Select); coding-DNA position 2390, one base deleted (G; older notation c.2390delG).
Protein change: p.Gly797fs; shifts the reading frame from glycine 797.
Molecular consequence: frameshift variant.
Genome position (GRCh38, 1-based): chr8:31,116,470, G deleted; the last of 3 consecutive G bases (chr8:31,116,468-31,116,470); deleting any one gives the same sequence. VCF-style (leftmost placement, unchanged base first): chr8-31116467-CG-C. GRCh37 (hg19) VCF-style: chr8-30973983-CG-C.
Other names: short protein forms G797fs.
Identifiers: ClinVar variation 2694392 (VCV002694392.3), dbSNP rs2535978700, ClinGen allele CA2697549803.

ClinVar aggregate classification (germline): Pathogenic (1 of 4 stars; one submission).

Conditions:
Werner syndrome (WRN). Identifiers: Orphanet 902, MedGen C0043119, MONDO:0010196, OMIM 277700.

Submission:

Labcorp Genetics (formerly Invitae), Labcorp
Classification: Pathogenic for Werner syndrome. Last evaluated: 2023-11-08. Review status: criteria provided, single submitter. Criteria: Invitae Variant Classification Sherloc (09022015). Collection method: clinical testing. Allele origin: germline.
Comment: This sequence change creates a premature translational stop signal (p.Gly797Alafs*2) in the WRN gene. It is expected to result in an absent or disrupted protein product. Loss-of-function variants in WRN are known to be pathogenic (PMID: 16673358). This variant is not present in population databases (gnomAD no frequency). This variant has not been reported in the literature in individuals affected with WRN-related conditions. For these reasons, this variant has been classified as Pathogenic.

Literature cited by the submitters: PubMed 16673358.